The following is an entry in ClinVar:

NM_000535.7(PMS2):c.523A>G (p.Arg175Gly)

Gene: PMS2 (PMS1 homolog 2, mismatch repair system component; minus strand). Cytogenetic location: 7p22.1.
Variant type: single nucleotide variant.
Coding change: c.523A>G on transcript NM_000535.7 (MANE Select); coding-DNA position 523, A replaced by G.
Protein change: p.Arg175Gly; replaces arginine 175 with glycine.
Molecular consequence: missense variant. On other transcripts: 5 prime UTR variant (2), non-coding transcript variant (1).
Genome position (GRCh38, 1-based): chr7:6,002,467, T>C on the plus strand (A>G on the coding strand, the complement: PMS2 is on the minus strand). VCF-style: chr7-6002467-T-C. GRCh37 (hg19) VCF-style: chr7-6042098-T-C.
Other names: c.523A>G (NM_000535.5); c.118A>G, p.Arg40Gly (NM_001322003.2, NM_001322004.2, NM_001322005.2 and 3 more transcripts); c.523A>G, p.Arg175Gly (NM_001322006.2, NM_001322014.2); c.205A>G, p.Arg69Gly (NM_001322007.2, NM_001322008.2); c.-362A>G (NM_001322011.2, NM_001322012.2); c.214A>G, p.Arg72Gly (NM_001322015.2); short protein forms R175G, R40G, R69G, R72G.
Identifiers: ClinVar variation 1332250 (VCV001332250.8), dbSNP rs1395650223, ClinGen allele CA366744180.
Genomic context (GRCh38, chr7:6,002,467, plus strand): 5'-TGTGCATTAACCAATACTCTTGAAAACCAGGATTAATTTACTGTACCTTCTTAATATTCC[T>C]TTGAAATTCCTTATGGCGCACAGGTAGTGTGGAAAATAACTGCTGCACGCTGACTGTGGT-3'
Protein context (NP_000526.2, residues 165-185): TLPVRHKEFQ[Arg175Gly]NIKKEYAKMV

ClinVar aggregate classification (germline): Uncertain significance. Review status: criteria provided, multiple submitters, no conflicts (2 of 4 stars). 3 submissions from 3 submitters: Uncertain significance (3). Last evaluated 2025-12-14.

Conditions:
Hereditary cancer-predisposing syndrome. Also called: Tumor predisposition; Hereditary Cancer Syndrome; Neoplastic Syndromes, Hereditary; Hereditary neoplastic syndrome. Identifiers: Orphanet 140162, MedGen C0027672, MeSH D009386, MONDO:0015356.
Hereditary nonpolyposis colorectal neoplasms. Identifiers: MedGen C0009405, MeSH D003123.

Allele frequency attached by ClinVar (database versions not stated): gnomAD 0.00001.
gnomAD v4.1: 1 of 1,609,610 alleles (0.000062%); highest among the groups gnomAD compares: Non-Finnish European, 0.000085%; no homozygotes.

Submissions (3):

Ambry Genetics
Classification: Uncertain significance for Hereditary cancer-predisposing syndrome. Last evaluated: 2025-12-14. Review status: criteria provided, single submitter. Criteria: Ambry Variant Classification Scheme 2023. Collection method: clinical testing. Allele origin: germline.
Comment: The p.R175G variant (also known as c.523A>G), located in coding exon 5 of the PMS2 gene, results from an A to G substitution at nucleotide position 523. The arginine at codon 175 is replaced by glycine, an amino acid with dissimilar properties. This amino acid position is conserved. In addition, the in silico prediction for this alteration is inconclusive. Based on the available evidence, the clinical significance of this variant remains unclear.

Labcorp Genetics (formerly Invitae), Labcorp
Classification: Uncertain significance for Hereditary nonpolyposis colorectal neoplasms. Last evaluated: 2022-08-09. Review status: criteria provided, single submitter. Criteria: Invitae Variant Classification Sherloc (09022015). Collection method: clinical testing. Allele origin: germline.
Comment: In summary, the available evidence is currently insufficient to determine the role of this variant in disease. Therefore, it has been classified as a Variant of Uncertain Significance. Advanced modeling of protein sequence and biophysical properties (such as structural, functional, and spatial information, amino acid conservation, physicochemical variation, residue mobility, and thermodynamic stability) performed at Invitae indicates that this missense variant is not expected to disrupt PMS2 protein function. ClinVar contains an entry for this variant (Variation ID: 1332250). This variant has not been reported in the literature in individuals affected with PMS2-related conditions. This variant is present in population databases (no rsID available, gnomAD 0.01%). This sequence change replaces arginine, which is basic and polar, with glycine, which is neutral and non-polar, at codon 175 of the PMS2 protein (p.Arg175Gly).

Color Diagnostics, LLC DBA Color Health
Classification: Uncertain significance for Hereditary cancer-predisposing syndrome. Last evaluated: 2021-04-20. Review status: criteria provided, single submitter. Criteria: ACMG Guidelines, 2015. Collection method: clinical testing. Allele origin: germline.
Comment: This missense variant replaces arginine with glycine at codon 175 of the PMS2 protein. Computational prediction is inconclusive regarding the impact of this variant on protein structure and function (internally defined REVEL score threshold 0.5 < inconclusive < 0.7, PMID: 27666373). To our knowledge, functional studies have not been reported for this variant. This variant has not been reported in individuals affected with hereditary cancer in the literature. This variant has been identified in 2/31412 chromosomes in the general population by the Genome Aggregation Database (gnomAD). The available evidence is insufficient to determine the role of this variant in disease conclusively. Therefore, this variant is classified as a Variant of Uncertain Significance.